The following is an entry in ClinVar:

NM_001369268.1(ACAN):c.7126C>T (p.Arg2376Cys)

Gene: ACAN (aggrecan; plus strand). Cytogenetic location: 15q26.1.
Variant type: single nucleotide variant.
Coding change: c.7126C>T on transcript NM_001369268.1 (MANE Select); coding-DNA position 7126, C replaced by T.
Protein change: p.Arg2376Cys; replaces arginine 2376 with cysteine.
Molecular consequence: missense variant.
Genome position (GRCh38, 1-based): chr15:88,871,447, C>T. VCF-style: chr15-88871447-C-T. GRCh37 (hg19) VCF-style: chr15-89414678-C-T.
Other names: c.6898C>T, p.Arg2300Cys (NM_001135.4, NM_001411096.1); c.7012C>T, p.Arg2338Cys (NM_001411097.1, NM_013227.4); short protein forms R2300C, R2376C, R2338C.
Identifiers: ClinVar variation 2015132 (VCV002015132.4), dbSNP rs1013531754, ClinGen allele CA274495309.
Genomic context (GRCh38, chr15:88,871,447, plus strand): 5'-GAGGTATGTGAGGAGGGCTGGAACAAGTACCAGGGCCACTGTTACCGCCACTTCCCGGAC[C>T]GCGAGACCTGGGTGGATGCTGAGCGCCGGTGTCGGGAGCAGCAGTCACACCTGAGCAGCA-3'
Protein context (NP_001356197.1, residues 2366-2386): QGHCYRHFPD[Arg2376Cys]ETWVDAERRC

ClinVar aggregate classification (germline): Uncertain significance (1 of 4 stars; one submission).

Allele frequency attached by ClinVar (database versions not stated): gnomAD exomes below 0.00001.
gnomAD v4.1: 2 of 1,613,960 alleles (0.00012%); highest among the groups gnomAD compares: Non-Finnish European, 0.00017%; no homozygotes.

Submission:

Labcorp Genetics (formerly Invitae), Labcorp
Classification: Uncertain significance. Last evaluated: 2022-07-08. Review status: criteria provided, single submitter. Criteria: Invitae Variant Classification Sherloc (09022015). Collection method: clinical testing. Allele origin: germline.
Comment: This sequence change replaces arginine, which is basic and polar, with cysteine, which is neutral and slightly polar, at codon 2338 of the ACAN protein (p.Arg2338Cys). This variant is not present in population databases (gnomAD no frequency). This variant has not been reported in the literature in individuals affected with ACAN-related conditions. Algorithms developed to predict the effect of missense changes on protein structure and function (SIFT, PolyPhen-2, Align-GVGD) all suggest that this variant is likely to be disruptive. In summary, the available evidence is currently insufficient to determine the role of this variant in disease. Therefore, it has been classified as a Variant of Uncertain Significance.